The following is an entry in ClinVar:

NM_000334.4(SCN4A):c.5283del (p.Ser1761fs)

Genes: GH-LCR (growth hormone locus control region; plus strand), SCN4A (sodium voltage-gated channel alpha subunit 4; minus strand). Cytogenetic location: 17q23.3.
Variant type: Deletion.
Coding change: c.5283del on transcript NM_000334.4 (MANE Select); coding-DNA position 5283, one base deleted (C; older notation c.5283delC).
Protein change: p.Ser1761fs; shifts the reading frame from serine 1761.
Molecular consequence: frameshift variant.
Genome position (GRCh38, 1-based): chr17:63,940,999, G deleted on the plus strand (C on the coding strand, the reverse complement: SCN4A is on the minus strand). VCF-style (leftmost placement, unchanged base first): chr17-63940998-CG-C. GRCh37 (hg19) VCF-style: chr17-62018358-CG-C.
Other names: short protein forms S1761fs.
Identifiers: ClinVar variation 4728483 (VCV004728483.1).

ClinVar aggregate classification (germline): Uncertain significance (1 of 4 stars; one submission).

Conditions:
Hyperkalemic periodic paralysis. Also called: Familial hyperkalemic periodic paralysis; Gamstorp disease. Identifiers: Orphanet 682, MedGen C0238357, MONDO:0008224, OMIM 170500, HP:0007215.

Submission:

Labcorp Genetics (formerly Invitae), Labcorp
Classification: Uncertain significance for Hyperkalemic periodic paralysis. Last evaluated: 2025-10-05. Review status: criteria provided, single submitter. Criteria: Invitae Variant Classification Sherloc (09022015). Collection method: clinical testing. Allele origin: germline.
Comment: This sequence change creates a premature translational stop signal (p.Ser1761Argfs*16) in the SCN4A gene. While this is not anticipated to result in nonsense mediated decay, it is expected to disrupt the last 76 amino acid(s) of the SCN4A protein. This variant is not present in population databases (gnomAD no frequency). This variant has not been reported in the literature in individuals affected with SCN4A-related conditions. Experimental studies and prediction algorithms are not available or were not evaluated, and the functional significance of this variant is currently unknown. In summary, the available evidence is currently insufficient to determine the role of this variant in disease. Therefore, it has been classified as a Variant of Uncertain Significance.